The following is an entry in ClinVar:

ClinVar aggregate classification (germline): Uncertain significance. Review status: criteria provided, multiple submitters, no conflicts (2 of 4 stars). 2 submissions from 2 submitters: Uncertain significance (2). Last evaluated 2025-12-04.

Conditions:
Inborn genetic diseases. Identifiers: MedGen C0950123, MeSH D030342.

Submissions (2):

Ambry Genetics
Classification: Uncertain significance for Inborn genetic diseases. Last evaluated: 2025-12-04. Review status: criteria provided, single submitter. Criteria: Ambry Variant Classification Scheme 2023. Collection method: clinical testing. Allele origin: germline.

Labcorp Genetics (formerly Invitae), Labcorp
Classification: Uncertain significance. Last evaluated: 2022-05-03. Review status: criteria provided, single submitter. Criteria: Invitae Variant Classification Sherloc (09022015). Collection method: clinical testing. Allele origin: germline.
Comment: In summary, the available evidence is currently insufficient to determine the role of this variant in disease. Therefore, it has been classified as a Variant of Uncertain Significance. Advanced modeling of protein sequence and biophysical properties (such as structural, functional, and spatial information, amino acid conservation, physicochemical variation, residue mobility, and thermodynamic stability) performed at Invitae indicates that this missense variant is not expected to disrupt COL4A1 protein function. This variant has not been reported in the literature in individuals affected with COL4A1-related conditions. This variant is not present in population databases (gnomAD no frequency). This sequence change replaces aspartic acid, which is acidic and polar, with glycine, which is neutral and non-polar, at codon 473 of the COL4A1 protein (p.Asp473Gly).

NM_001845.6(COL4A1):c.1418A>G (p.Asp473Gly)

Gene: COL4A1 (collagen type IV alpha 1 chain; minus strand). Cytogenetic location: 13q34.
Variant type: single nucleotide variant.
Coding change: c.1418A>G on transcript NM_001845.6 (MANE Select); coding-DNA position 1418, A replaced by G.
Protein change: p.Asp473Gly; replaces aspartic acid 473 with glycine.
Molecular consequence: missense variant.
Genome position (GRCh38, 1-based): chr13:110,192,877, T>C on the plus strand (A>G on the coding strand, the complement: COL4A1 is on the minus strand). VCF-style: chr13-110192877-T-C. GRCh37 (hg19) VCF-style: chr13-110845224-T-C.
Other names: c.1418A>G (NM_001845.4); c.1418A>G, p.Asp473Gly (NM_001303110.2); short protein forms D473G.
Identifiers: ClinVar variation 2132930 (VCV002132930.5), dbSNP rs2501541085, ClinGen allele CA388723561.